The following is an entry in ClinVar:

ClinVar aggregate classification (germline): Uncertain significance (1 of 4 stars; one submission).

Submission:

Labcorp Genetics (formerly Invitae), Labcorp
Classification: Uncertain significance. Last evaluated: 2024-04-18. Review status: criteria provided, single submitter. Criteria: Invitae Variant Classification Sherloc (09022015). Collection method: clinical testing. Allele origin: germline.
Comment: This sequence change replaces methionine, which is neutral and non-polar, with valine, which is neutral and non-polar, at codon 1231 of the CACNA1D protein (p.Met1231Val). This variant is not present in population databases (gnomAD no frequency). This variant has not been reported in the literature in individuals affected with CACNA1D-related conditions. Advanced modeling of protein sequence and biophysical properties (such as structural, functional, and spatial information, amino acid conservation, physicochemical variation, residue mobility, and thermodynamic stability) performed at Invitae indicates that this missense variant is not expected to disrupt CACNA1D protein function with a negative predictive value of 80%. In summary, the available evidence is currently insufficient to determine the role of this variant in disease. Therefore, it has been classified as a Variant of Uncertain Significance.

NM_001128840.3(CACNA1D):c.3631A>G (p.Met1211Val)

Gene: CACNA1D (calcium voltage-gated channel subunit alpha1 D; plus strand). Cytogenetic location: 3p21.1.
Variant type: single nucleotide variant.
Coding change: c.3631A>G on transcript NM_001128840.3 (MANE Select); coding-DNA position 3631, A replaced by G.
Protein change: p.Met1211Val; replaces methionine 1211 with valine.
Molecular consequence: missense variant.
Genome position (GRCh38, 1-based): chr3:53,751,863, A>G. VCF-style: chr3-53751863-A-G. GRCh37 (hg19) VCF-style: chr3-53785890-A-G.
Other names: c.3691A>G, p.Met1231Val (NM_000720.4); c.3631A>G, p.Met1211Val (NM_001128839.3); short protein forms M1211V, M1231V.
Identifiers: ClinVar variation 3650383 (VCV003650383.2).